The following is an entry in ClinVar:

ClinVar aggregate classification (germline): Benign/Likely benign. Review status: criteria provided, single submitter (1 of 4 stars). 2 submissions from 1 submitter: Benign (1); Likely benign (1). Last evaluated 2018-01-13.

Conditions:
Mitochondrial complex I deficiency, nuclear type 1. Also called: NADH-COENZYME Q REDUCTASE DEFICIENCY; MITOCHONDRIAL NADH DEHYDROGENASE COMPONENT OF COMPLEX I, DEFICIENCY OF. Identifiers: MedGen C6022305, MONDO:0100224, OMIM 252010.
Leigh syndrome (NULS). Also called: Leigh Disease; Subacute necrotizing encephalopathy; Leigh Syndrome (mtDNA deletion); Leigh's syndrome; Leigh's necrotizing encephalopathy; Leigh's disease. Identifiers: Orphanet 506, MedGen C2931891, MONDO:0009723, OMIM 256000.

Allele frequency attached by ClinVar (database versions not stated): gnomAD 0.01392 and 0.01512; 1000 Genomes Project 0.01398; 1000 Genomes Project 30x 0.01405; TOPMed 0.01599.

Submissions (2):

Illumina Laboratory Services, Illumina
Classification: Benign for Leigh syndrome. Last evaluated: 2018-01-13. Review status: criteria provided, single submitter. Criteria: ICSL Variant Classification Criteria 13 December 2019. Collection method: clinical testing. Allele origin: germline.
Comment: This variant was observed in the ICSL laboratory as part of a predisposition screen in an ostensibly healthy population. It had not been previously curated by ICSL or reported in the Human Gene Mutation Database (HGMD: prior to June 1st, 2018), and was therefore a candidate for classification through an automated scoring system. Utilizing variant allele frequency, disease prevalence and penetrance estimates, and inheritance mode, an automated score was calculated to assess if this variant is too frequent to cause the disease. Based on the score and internal cut-off values, a variant classified as benign is not then subjected to further curation. The score for this variant resulted in a classification of benign for this disease.

Illumina Laboratory Services, Illumina
Classification: Likely benign for Mitochondrial complex I deficiency, nuclear type 1. Last evaluated: 2018-01-13. Review status: criteria provided, single submitter. Criteria: ICSL Variant Classification Criteria 13 December 2019. Collection method: clinical testing. Allele origin: germline.
Comment: This variant was observed in the ICSL laboratory as part of a predisposition screen in an ostensibly healthy population. It had not been previously curated by ICSL or reported in the Human Gene Mutation Database (HGMD: prior to June 1st, 2018), and was therefore a candidate for classification through an automated scoring system. Utilizing variant allele frequency, disease prevalence and penetrance estimates, and inheritance mode, an automated score was calculated to assess if this variant is too frequent to cause the disease. Based on the score and internal cut-off values, a variant classified as likely benign is not then subjected to further curation. The score for this variant resulted in a classification of likely benign for this disease.

NM_004544.4(NDUFA10):c.*2511C>T

Gene: NDUFA10 (NADH:ubiquinone oxidoreductase subunit A10; minus strand). Cytogenetic location: 2q37.3.
Variant type: single nucleotide variant.
Coding change: c.*2511C>T on transcript NM_004544.4 (MANE Select); 2511 bases downstream of the stop codon, C replaced by T.
Molecular consequence: 3 prime UTR variant. On other transcripts: non-coding transcript variant (3).
Genome position (GRCh38, 1-based): chr2:239,958,607, G>A on the plus strand (C>T on the coding strand, the complement: NDUFA10 is on the minus strand). VCF-style: chr2-239958607-G-A. GRCh37 (hg19) VCF-style: chr2-240898024-G-A.
Other names: c.*2516C>T (NM_001322020.2).
Identifiers: ClinVar variation 897252 (VCV000897252.4), dbSNP rs74540213, ClinGen allele CA68047439.
Genomic context (GRCh38, chr2:239,958,607, plus strand): 5'-CTAGGCAGAACATGGAGGTTCCACAGCTGCCTGGTGGACAGCAGCCAGCAGCCTGGCAGC[G>A]TGGGGCTGGTGAGCTGCTGCTGCTATCTACCCAGGCAACTCCATTTTGCTGAGGTGGTCC-3'